The following is an entry in ClinVar:

NM_182918.4(ERG):c.1088A>G (p.Asp363Gly)

Gene: ERG (ETS transcription factor ERG; minus strand). Cytogenetic location: 21q22.2.
Variant type: single nucleotide variant.
Coding change: c.1088A>G on transcript NM_182918.4 (MANE Select); coding-DNA position 1088, A replaced by G.
Protein change: p.Asp363Gly; replaces aspartic acid 363 with glycine.
Molecular consequence: missense variant. On other transcripts: intron variant (1).
Genome position (GRCh38, 1-based): chr21:38,383,755, T>C on the plus strand (A>G on the coding strand, the complement: ERG is on the minus strand). VCF-style: chr21-38383755-T-C. GRCh37 (hg19) VCF-style: chr21-39755677-T-C.
Other names: c.1109A>G, p.Asp370Gly (NM_001243428.1, NM_001136154.1); c.740A>G, p.Asp247Gly (NM_001243429.1); c.1016A>G, p.Asp339Gly (NM_001331025.2); c.1037A>G, p.Asp346Gly (NM_004449.4); c.940+7240A>G (NM_001243432.2); c.812A>G, p.Asp271Gly (NM_001136155.1); short protein forms D247G, D271G, D339G, D346G, D363G, D370G.
Identifiers: ClinVar variation 2580268 (VCV002580268.2), dbSNP rs2516998629, ClinGen allele CA409941739.

ClinVar aggregate classification (germline): Uncertain significance. Review status: criteria provided, multiple submitters, no conflicts (2 of 4 stars). 2 submissions from 2 submitters: Uncertain significance (2). Last evaluated 2026-04-15.

Conditions:
Acute lymphoid leukemia (ALL). Also called: Acute lymphoblastic leukemia; Acute lymphocytic leukemia; Leukemia, acute lymphoblastic, somatic; Lymphoblastic leukemia. Identifiers: Orphanet 513, MedGen C0023449, MONDO:0004967, OMIM 613065, HP:0006721.

Submissions (2):

Ambry Genetics
Classification: Uncertain significance. Last evaluated: 2026-04-15. Review status: criteria provided, single submitter. Criteria: Ambry Variant Classification Scheme 2023. Collection method: clinical testing. Allele origin: germline.
Comment: The c.1109A>G (p.D370G) alteration is located in exon 12 (coding exon 10) of the ERG gene. This alteration results from a A to G substitution at nucleotide position 1109, causing the aspartic acid (D) at amino acid position 370 to be replaced by a glycine (G). This variant was not reported in population-based cohorts in the Genome Aggregation Database (gnomAD). This amino acid position is highly conserved in available vertebrate species. This alteration is predicted to be deleterious by in silico analysis. Based on insufficient or conflicting evidence, the clinical significance of this alteration remains unclear.

Genomic Diagnostics Laboratory, National Institute of Medical Genomics
Classification: Uncertain significance for Acute lymphoid leukemia. Last evaluated: 2023-09-23. Review status: criteria provided, single submitter. Criteria: AMP Guidelines, 2017. Collection method: clinical testing. Allele origin: somatic. Affected: yes.